The following is an entry in ClinVar:

NM_020163.3(SEMA3G):c.643G>A (p.Asp215Asn)

Gene: SEMA3G (semaphorin 3G; minus strand). Cytogenetic location: 3p21.1.
Variant type: single nucleotide variant.
Coding change: c.643G>A on transcript NM_020163.3 (MANE Select); coding-DNA position 643, G replaced by A.
Protein change: p.Asp215Asn; replaces aspartic acid 215 with asparagine.
Molecular consequence: missense variant.
Genome position (GRCh38, 1-based): chr3:52,441,598, C>T on the plus strand (G>A on the coding strand, the complement: SEMA3G is on the minus strand). VCF-style: chr3-52441598-C-T. GRCh37 (hg19) VCF-style: chr3-52475614-C-T.
Other names: short protein forms D215N.
Identifiers: ClinVar variation 4988988 (VCV004988988.1).

ClinVar aggregate classification (germline): Uncertain significance (1 of 4 stars; one submission).

Conditions:
SEMA3G-related disorder. Also called: SEMA3G-related condition.

gnomAD v4.1: 16 of 1,613,332 alleles (0.00099%); highest among the groups gnomAD compares: Admixed American, 0.0033%; no homozygotes.

Submission:

PreventionGenetics, part of Exact Sciences
Classification: Uncertain significance for SEMA3G-related condition. Last evaluated: 2026-08-23. Review status: criteria provided, single submitter. Criteria: ACMG Guidelines, 2015. Collection method: clinical testing. Allele origin: germline.
Comment: The SEMA3G c.643G>A variant is predicted to result in the amino acid substitution p.Asp215Asn. To our knowledge, this variant has not been reported in the literature. This variant is reported in 0.0062% of alleles in individuals of African descent in gnomAD. At this time, the clinical significance of this variant is uncertain due to the absence of conclusive functional and genetic evidence.